The following is an entry in ClinVar:

NM_014159.7(SETD2):c.1957G>A (p.Asp653Asn)

Gene: SETD2 (SET domain containing 2, histone lysine methyltransferase; minus strand). Cytogenetic location: 3p21.31.
Variant type: single nucleotide variant.
Coding change: c.1957G>A on transcript NM_014159.7 (MANE Select); coding-DNA position 1957, G replaced by A.
Protein change: p.Asp653Asn; replaces aspartic acid 653 with asparagine.
Molecular consequence: missense variant. On other transcripts: non-coding transcript variant (1).
Genome position (GRCh38, 1-based): chr3:47,122,679, C>T on the plus strand (G>A on the coding strand, the complement: SETD2 is on the minus strand). VCF-style: chr3-47122679-C-T. GRCh37 (hg19) VCF-style: chr3-47164169-C-T.
Other names: c.1825G>A, p.Asp609Asn (NM_001349370.3); short protein forms D653N, D609N.
Identifiers: ClinVar variation 1468918 (VCV001468918.8), dbSNP rs2043149282, ClinGen allele CA352528307.

ClinVar aggregate classification (germline): Uncertain significance (1 of 4 stars; one submission).

Conditions:
Luscan-Lumish syndrome. Identifiers: Orphanet 597738, MedGen C4085873, MONDO:0014791, OMIM 616831.

Allele frequency attached by ClinVar (database versions not stated): gnomAD exomes below 0.00001; TOPMed below 0.00001.
gnomAD v4.1: 1 of 1,613,390 alleles (0.000062%); highest among the groups gnomAD compares: Non-Finnish European, 0.000085%; no homozygotes.

Submission:

Labcorp Genetics (formerly Invitae), Labcorp
Classification: Uncertain significance for Luscan-Lumish syndrome. Last evaluated: 2021-03-25. Review status: criteria provided, single submitter. Criteria: Invitae Variant Classification Sherloc (09022015). Collection method: clinical testing. Allele origin: germline.
Comment: In summary, the available evidence is currently insufficient to determine the role of this variant in disease. Therefore, it has been classified as a Variant of Uncertain Significance. Algorithms developed to predict the effect of missense changes on protein structure and function output the following: SIFT: "Tolerated"; PolyPhen-2: "Benign"; Align-GVGD: "Class C0". The asparagine amino acid residue is found in multiple mammalian species, suggesting that this missense change does not adversely affect protein function. These predictions have not been confirmed by published functional studies and their clinical significance is uncertain. This variant has not been reported in the literature in individuals with SETD2-related conditions. This variant is not present in population databases (ExAC no frequency). This sequence change replaces aspartic acid with asparagine at codon 653 of the SETD2 protein (p.Asp653Asn). The aspartic acid residue is weakly conserved and there is a small physicochemical difference between aspartic acid and asparagine.